The following is an entry in ClinVar:

NM_019892.6(INPP5E):c.603C>G (p.Ile201Met)

Gene: INPP5E (inositol polyphosphate-5-phosphatase E; minus strand). Cytogenetic location: 9q34.3.
Variant type: single nucleotide variant.
Coding change: c.603C>G on transcript NM_019892.6 (MANE Select); coding-DNA position 603, C replaced by G.
Protein change: p.Ile201Met; replaces isoleucine 201 with methionine.
Molecular consequence: missense variant.
Genome position (GRCh38, 1-based): chr9:136,438,817, G>C on the plus strand (C>G on the coding strand, the complement: INPP5E is on the minus strand). VCF-style: chr9-136438817-G-C. GRCh37 (hg19) VCF-style: chr9-139333269-G-C.
Other names: p.I201M:ATC>ATG; c.603C>G, p.Ile201Met (NM_001318502.2); short protein forms I201M.
Identifiers: ClinVar variation 129275 (VCV000129275.29), dbSNP rs36064831, ClinGen allele CA153173.

ClinVar aggregate classification (germline): Benign/Likely benign. Review status: criteria provided, multiple submitters, no conflicts (2 of 4 stars). 10 submissions from 10 submitters: Benign (5); Likely benign (2). 3 of the submissions do not count toward it. Last evaluated 2026-02-04.

Conditions:
Joubert syndrome 1 (JBTS1). Also called: Cerebellooculorenal syndrome 1; CEREBELLOPARENCHYMAL DISORDER IV. Identifiers: MedGen C4551568, MONDO:0008944, OMIM 213300.
Joubert syndrome. Also called: Familial aplasia of the vermis; JOUBERT-BOLTSHAUSER SYNDROME. Identifiers: Orphanet 475, MedGen C5979921, MONDO:0018772.

Allele frequency attached by ClinVar (database versions not stated): gnomAD 0.01832 and 0.01896; 1000 Genomes Project 30x 0.00750; 1000 Genomes Project 0.00779; TOPMed 0.02172; gnomAD exomes 0.02339 and 0.02036; ExAC 0.02163; ESP Exome Variant Server 0.02186.

Submissions (10):

Labcorp Genetics (formerly Invitae), Labcorp
Classification: Benign for Joubert syndrome. Last evaluated: 2026-02-04. Review status: criteria provided, single submitter. Criteria: Invitae Variant Classification Sherloc (09022015). Collection method: clinical testing. Allele origin: germline.

Mayo Clinic Laboratories, Mayo Clinic
Classification: Benign. Last evaluated: 2023-04-03. Review status: criteria provided, single submitter. Criteria: ACMG Guidelines, 2015. Collection method: clinical testing. Allele origin: germline. Observed: 2 variant alleles.

Illumina Laboratory Services, Illumina
Classification: Likely benign for Joubert syndrome 1. Last evaluated: 2017-04-27. Review status: criteria provided, single submitter. Criteria: ICSL Variant Classification Criteria 13 December 2019. Collection method: clinical testing. Allele origin: germline.
Comment: This variant was observed as part of a predisposition screen in an ostensibly healthy population. A literature search was performed for the gene, cDNA change, and amino acid change (where applicable). No publications were found based on this search. Allele frequency data from public databases allowed determination this variant is unlikely to cause disease. Therefore, this variant is classified as likely benign.

Eurofins Ntd Llc (ga)
Classification: Benign. Last evaluated: 2015-11-13. Review status: criteria provided, single submitter. Criteria: EGL Classification Definitions 2015. Collection method: clinical testing. Allele origin: germline. Observed: 1 variant allele, 1 heterozygote.

GeneDx
Classification: Benign. Last evaluated: 2014-04-15. Review status: criteria provided, single submitter. Criteria: GeneDx Variant Classification (06012015). Collection method: clinical testing. Allele origin: germline. Affected: yes.
Comment: This variant is considered likely benign or benign based on one or more of the following criteria: it is a conservative change, it occurs at a poorly conserved position in the protein, it is predicted to be benign by multiple in silico algorithms, and/or has population frequency not consistent with disease.

Breakthrough Genomics
Classification: Likely benign. Review status: criteria provided, single submitter. Criteria: ACMG Guidelines, 2015. Collection method: not provided. Allele origin: germline. Inheritance: Autosomal recessive inheritance. Affected: yes.

PreventionGenetics, part of Exact Sciences
Classification: Benign. Review status: criteria provided, single submitter. Criteria: ACMG Guidelines, 2015. Collection method: clinical testing. Allele origin: germline.

Clinical Genetics DNA and cytogenetics Diagnostics Lab, Erasmus MC, Erasmus Medical Center
Classification: Likely benign. Review status: no assertion criteria provided. Collection method: clinical testing. Allele origin: germline. Affected: yes. Study: VKGL Data-share Consensus. Not counted in ClinVar's aggregate classification.

Genetic Services Laboratory, University of Chicago
Classification: Likely benign for AllHighlyPenetrant. Review status: no assertion criteria provided. Collection method: clinical testing. Allele origin: germline. Inheritance: Autosomal recessive inheritance. Not counted in ClinVar's aggregate classification.
Comment: Likely benign based on allele frequency in 1000 Genomes Project or ESP global frequency and its presence in a patient with a rare or unrelated disease phenotype. NOT Sanger confirmed.

Genome Diagnostics Laboratory, University Medical Center Utrecht
Classification: Benign. Review status: no assertion criteria provided. Collection method: clinical testing. Allele origin: germline. Affected: yes. Study: VKGL Data-share Consensus. Not counted in ClinVar's aggregate classification.